The following is an entry in ClinVar:

NM_001365536.1(SCN9A):c.3871A>G (p.Thr1291Ala)

Genes: SCN9A (sodium voltage-gated channel alpha subunit 9; minus strand), SCN1A-AS1 (SCN1A and SCN9A antisense RNA 1; plus strand). Cytogenetic location: 2q24.3.
Variant type: single nucleotide variant.
Coding change: c.3871A>G on transcript NM_001365536.1 (MANE Select); coding-DNA position 3871, A replaced by G.
Protein change: p.Thr1291Ala; replaces threonine 1291 with alanine.
Molecular consequence: missense variant.
Genome position (GRCh38, 1-based): chr2:166,233,393, T>C on the plus strand (A>G on the coding strand, the complement: SCN9A is on the minus strand). VCF-style: chr2-166233393-T-C. GRCh37 (hg19) VCF-style: chr2-167089903-T-C.
Other names: c.3838A>G, p.Thr1280Ala (NM_002977.4); short protein forms T1280A, T1291A.
Identifiers: ClinVar variation 1025826 (VCV001025826.10), dbSNP rs1173515969, ClinGen allele CA349066461.

ClinVar aggregate classification (germline): Uncertain significance. Review status: criteria provided, multiple submitters, no conflicts (2 of 4 stars). 2 submissions from 2 submitters: Uncertain significance (2). Last evaluated 2023-02-15.

Conditions:
Inborn genetic diseases. Identifiers: MedGen C0950123, MeSH D030342.
Neuropathy, hereditary sensory and autonomic, type 2A (HSAN2A). Also called: MORVAN DISEASE; NEUROPATHY, CONGENITAL SENSORY; NEUROPATHY, HEREDITARY SENSORY RADICULAR, AUTOSOMAL RECESSIVE; NEUROPATHY, HEREDITARY SENSORY, TYPE IIA; NEUROPATHY, PROGRESSIVE SENSORY, OF CHILDREN; WNK1-Related HSAN2 (HSAN2A). Identifiers: Orphanet 970, MedGen C2752089, MONDO:0024309, OMIM 201300.
Generalized epilepsy with febrile seizures plus, type 7 (GEFSP7). Also called: GEFS+, TYPE 7. Identifiers: Orphanet 36387, MedGen C2751778, MONDO:0013470, OMIM 613863.

Allele frequency attached by ClinVar (database versions not stated): gnomAD exomes 0.00001.
gnomAD v4.1: 4 of 1,582,622 alleles (0.00025%); highest among the groups gnomAD compares: Non-Finnish European, 0.00034%; no homozygotes.

Submissions (2):

Ambry Genetics
Classification: Uncertain significance for Inborn genetic diseases. Last evaluated: 2023-02-15. Review status: criteria provided, single submitter. Criteria: Ambry Variant Classification Scheme 2023. Collection method: clinical testing. Allele origin: germline.

Labcorp Genetics (formerly Invitae), Labcorp
Classification: Uncertain significance for Neuropathy, hereditary sensory and autonomic, type 2A; Generalized epilepsy with febrile seizures plus, type 7. Last evaluated: 2020-08-14. Review status: criteria provided, single submitter. Criteria: Invitae Variant Classification Sherloc (09022015). Collection method: clinical testing. Allele origin: germline.
Comment: In summary, the available evidence is currently insufficient to determine the role of this variant in disease. Therefore, it has been classified as a Variant of Uncertain Significance. Algorithms developed to predict the effect of missense changes on protein structure and function (SIFT, PolyPhen-2, Align-GVGD) all suggest that this variant is likely to be disruptive, but these predictions have not been confirmed by published functional studies and their clinical significance is uncertain. This variant has not been reported in the literature in individuals with SCN9A-related conditions. This variant is not present in population databases (ExAC no frequency). This sequence change replaces threonine with alanine at codon 1280 of the SCN9A protein (p.Thr1280Ala). The threonine residue is highly conserved and there is a small physicochemical difference between threonine and alanine.